The following is an entry in ClinVar:

ClinVar aggregate classification (germline): Pathogenic/Likely pathogenic. Review status: criteria provided, multiple submitters, no conflicts (2 of 4 stars). 3 submissions from 3 submitters: Pathogenic (1); Likely pathogenic (2). Last evaluated 2024-04-03.

Conditions:
Heimler syndrome 2 (HMLR2). Also called: PEROXISOME BIOGENESIS DISORDER 4C. Identifiers: Orphanet 3220, MedGen C4225267, OMIM 616617, MONDO:0014709.
Peroxisome biogenesis disorder. Identifiers: Orphanet 79189, MedGen C1832200, MONDO:0019234. Disease mechanism: loss of function.

Allele frequency attached by ClinVar (database versions not stated): gnomAD 0.00001; TOPMed 0.00001.

Submissions (3):

Labcorp Genetics (formerly Invitae), Labcorp
Classification: Pathogenic for Peroxisome biogenesis disorder. Last evaluated: 2024-04-03. Review status: criteria provided, single submitter. Criteria: Invitae Variant Classification Sherloc (09022015). Collection method: clinical testing. Allele origin: germline.
Comment: This sequence change creates a premature translational stop signal (p.Ile362Trpfs*22) in the PEX6 gene. It is expected to result in an absent or disrupted protein product. Loss-of-function variants in PEX6 are known to be pathogenic (PMID: 10408779, 21031596, 31831025). The frequency data for this variant in the population databases is considered unreliable, as metrics indicate poor data quality at this position in the gnomAD database. This variant has not been reported in the literature in individuals affected with PEX6-related conditions. ClinVar contains an entry for this variant (Variation ID: 1415829). For these reasons, this variant has been classified as Pathogenic.

Baylor Genetics
Classification: Likely pathogenic for Heimler syndrome 2. Last evaluated: 2023-03-26. Review status: criteria provided, single submitter. Criteria: ACMG Guidelines, 2015. Collection method: clinical testing. Allele origin: unknown.

Women's Health and Genetics/Laboratory Corporation of America, LabCorp
Classification: Likely pathogenic for Peroxisome biogenesis disorder. Last evaluated: 2023-01-27. Review status: criteria provided, single submitter. Criteria: LabCorp Variant Classification Summary - May 2015. Collection method: clinical testing. Allele origin: germline.
Comment: Variant summary: PEX6 c.1084_1085delAT (p.Ile362TrpfsX22) results in a premature termination codon, predicted to cause a truncation of the encoded protein or absence of the protein due to nonsense mediated decay, which are commonly known mechanisms for disease. Truncations downstream of this position have been classified as pathogenic by our laboratory. The variant was absent in 251444 control chromosomes (gnomAD). To our knowledge, c.1084_1085delAT has not been reported in the literature in individuals affected with Zellweger Syndrome and no experimental evidence demonstrating an impact on protein function has been reported. One clinical diagnostic laboratory has submitted clinical-significance assessments for this variant to ClinVar after 2014 and classified the variant as pathogenic. Based on the evidence outlined above, the variant was classified as likely pathogenic.

Literature cited by the submitters: PubMed 10408779 (cited by Labcorp Genetics (formerly Invitae), Labcorp); PubMed 21031596 (cited by Labcorp Genetics (formerly Invitae), Labcorp); PubMed 31831025 (cited by Labcorp Genetics (formerly Invitae), Labcorp); PubMed 31964843 (cited by Women's Health and Genetics/Laboratory Corporation of America, LabCorp).

NM_000287.4(PEX6):c.1084_1085del (p.Ile362fs)

Gene: PEX6 (peroxisomal biogenesis factor 6; minus strand). Cytogenetic location: 6p21.1.
Variant type: Deletion.
Coding change: c.1084_1085del on transcript NM_000287.4 (MANE Select); coding-DNA positions 1084 to 1085, 2 bases deleted (AT; older notation c.1084_1085delAT).
Protein change: p.Ile362fs; shifts the reading frame from isoleucine 362.
Molecular consequence: frameshift variant. On other transcripts: non-coding transcript variant (1).
Genome position (GRCh38, 1-based): chr6:42,974,048-42,974,049, AT deleted on the plus strand (AT on the coding strand, the reverse complement: PEX6 is on the minus strand). VCF-style (leftmost placement, unchanged base first): chr6-42974047-AAT-A. GRCh37 (hg19) VCF-style: chr6-42941785-AAT-A.
Other names: c.820_821del, p.Ile274fs (NM_001316313.2); c.1084_1085delAT (NM_000287.3); short protein forms I362fs, I274fs.
Identifiers: ClinVar variation 1415829 (VCV001415829.11), dbSNP rs1408438094, ClinGen allele CA566787511.